The following is an entry in ClinVar:

NM_033305.3(VPS13A):c.7570A>G (p.Ile2524Val)

Gene: VPS13A (vacuolar protein sorting 13 homolog A; plus strand). Cytogenetic location: 9q21.2.
Variant type: single nucleotide variant.
Coding change: c.7570A>G on transcript NM_033305.3 (MANE Select); coding-DNA position 7570, A replaced by G.
Protein change: p.Ile2524Val; replaces isoleucine 2524 with valine.
Molecular consequence: missense variant.
Genome position (GRCh38, 1-based): chr9:77,353,559, A>G. VCF-style: chr9-77353559-A-G. GRCh37 (hg19) VCF-style: chr9-79968475-A-G.
Other names: c.7453A>G, p.Ile2485Val (NM_001018037.2); c.7570A>G, p.Ile2524Val (NM_001018038.3, NM_015186.4); short protein forms I2485V, I2524V.
Identifiers: ClinVar variation 2358819 (VCV002358819.3), dbSNP rs149242261, ClinGen allele CA5093379.

ClinVar aggregate classification (germline): Uncertain significance. Review status: criteria provided, multiple submitters, no conflicts (2 of 4 stars). 2 submissions from 2 submitters: Uncertain significance (2). Last evaluated 2024-06-11.

Conditions:
Inborn genetic diseases. Identifiers: MedGen C0950123, MeSH D030342.

Allele frequency attached by ClinVar (database versions not stated): gnomAD exomes 0.00001; ExAC 0.00002; ESP Exome Variant Server 0.00008; gnomAD 0.00008; TOPMed 0.00013.
gnomAD v4.1: 23 of 1,613,466 alleles (0.0014%); highest among the groups gnomAD compares: African/African-American, 0.027%; no homozygotes.

Submissions (2):

Women's Health and Genetics/Laboratory Corporation of America, LabCorp
Classification: Uncertain significance. Last evaluated: 2024-06-11. Review status: criteria provided, single submitter. Criteria: LabCorp Variant Classification Summary - May 2015. Collection method: clinical testing. Allele origin: germline.
Comment: Variant summary: VPS13A c.7570A>G (p.Ile2524Val) results in a conservative amino acid change in the encoded protein sequence. Four of five in-silico tools predict a benign effect of the variant on protein function. The variant allele was found at a frequency of 3.6e-05 in 251186 control chromosomes. The available data on variant occurrences in the general population are insufficient to allow any conclusion about variant significance. To our knowledge, no occurrence of c.7570A>G in individuals affected with Choreoacanthocytosis and no experimental evidence demonstrating its impact on protein function have been reported. ClinVar contains an entry for this variant (Variation ID: 2358819). Based on the evidence outlined above, the variant was classified as uncertain significance.

Ambry Genetics
Classification: Uncertain significance for Inborn genetic diseases. Last evaluated: 2021-09-16. Review status: criteria provided, single submitter. Criteria: Ambry Variant Classification Scheme 2023. Collection method: clinical testing. Allele origin: germline.